The following is an entry in ClinVar:

ClinVar aggregate classification (germline): Conflicting classifications of pathogenicity. Review status: criteria provided, conflicting classifications (1 of 4 stars). 4 submissions from 4 submitters: Uncertain significance (1); Likely benign (3). Last evaluated 2026-06-29.

Conditions:
PKHD1-related disorder. Also called: PKHD1-related condition.
Autosomal recessive polycystic kidney disease (ARPKD). Also called: AR polycystic kidney disease. Identifiers: Orphanet 731, Orphanet 8378, MedGen C0085548, MeSH D017044, MONDO:0009889.

Allele frequency attached by ClinVar (database versions not stated): gnomAD exomes 0.00001 and 0.00002; ExAC 0.00002; TOPMed 0.00003; gnomAD 0.00004; 1000 Genomes Project 30x 0.00016; 1000 Genomes Project 0.00020.
gnomAD v4.1: 24 of 1,613,418 alleles (0.0015%); highest among the groups gnomAD compares: African/African-American, 0.0053%; no homozygotes.

Submissions (4):

PreventionGenetics, part of Exact Sciences
Classification: Likely benign for PKHD1-related condition. Last evaluated: 2026-06-29. Review status: criteria provided, single submitter. Criteria: ACMG Guidelines, 2015. Collection method: clinical testing. Allele origin: germline.
Comment: This variant is classified as likely benign based on ACMG/AMP sequence variant interpretation guidelines (Richards et al. 2015 PMID: 25741868, with internal and published modifications).

Labcorp Genetics (formerly Invitae), Labcorp
Classification: Likely benign for Autosomal recessive polycystic kidney disease. Last evaluated: 2025-10-30. Review status: criteria provided, single submitter. Criteria: Invitae Variant Classification Sherloc (09022015). Collection method: clinical testing. Allele origin: germline.

Blueprint Genetics
Classification: Likely benign. Last evaluated: 2022-04-29. Review status: criteria provided, single submitter. Criteria: ACMG Guidelines, 2015. Collection method: clinical testing. Allele origin: germline.

Eurofins Ntd Llc (ga)
Classification: Uncertain significance. Last evaluated: 2017-10-10. Review status: criteria provided, single submitter. Criteria: EGL Classification Definitions 2015. Collection method: clinical testing. Allele origin: germline. Observed: 1 variant allele, 1 heterozygote.

NM_138694.4(PKHD1):c.8886C>T (p.Asp2962=)

Gene: PKHD1 (PKHD1 ciliary IPT domain containing fibrocystin/polyductin; minus strand). Cytogenetic location: 6p12.3.
Variant type: single nucleotide variant.
Coding change: c.8886C>T on transcript NM_138694.4 (MANE Select); coding-DNA position 8886, C replaced by T.
Protein change: p.Asp2962=; no amino-acid change (aspartic acid 2962 retained).
Molecular consequence: synonymous variant.
Genome position (GRCh38, 1-based): chr6:51,753,265, G>A on the plus strand (C>T on the coding strand, the complement: PKHD1 is on the minus strand). VCF-style: chr6-51753265-G-A. GRCh37 (hg19) VCF-style: chr6-51618063-G-A.
Other names: c.8886C>T, p.Asp2962= (NM_170724.3); c.8886C>T (NM_138694.3).
Identifiers: ClinVar variation 594469 (VCV000594469.15), dbSNP rs138464473, ClinGen allele CA3851501.